The following is an entry in ClinVar:

NM_004612.4(TGFBR1):c.1143T>C (p.Pro381=)

Gene: TGFBR1 (transforming growth factor beta receptor 1; plus strand). Cytogenetic location: 9q22.33.
Variant type: single nucleotide variant.
Coding change: c.1143T>C on transcript NM_004612.4 (MANE Select); coding-DNA position 1143, T replaced by C.
Protein change: p.Pro381=; no amino-acid change (proline 381 retained).
Molecular consequence: synonymous variant. On other transcripts: non-coding transcript variant (1).
Genome position (GRCh38, 1-based): chr9:99,146,497, T>C. VCF-style: chr9-99146497-T-C. GRCh37 (hg19) VCF-style: chr9-101908779-T-C.
Other names: c.912T>C, p.Pro304= (NM_001130916.3, NM_001407435.1); c.1155T>C, p.Pro385= (NM_001306210.2); c.987T>C, p.Pro329= (NM_001407416.1); c.975T>C, p.Pro325= (NM_001407417.1); c.948T>C, p.Pro316= (NM_001407418.1, NM_001407419.1, NM_001407420.1 and 1 more transcripts); c.936T>C, p.Pro312= (NM_001407423.1, NM_001407424.1, NM_001407425.1 and 8 more transcripts); c.897T>C, p.Pro299= (NM_001407436.1); c.435T>C, p.Pro145= (NM_001407437.1); and 1 more.
Identifiers: ClinVar variation 3019610 (VCV003019610.4), dbSNP rs2118826941, ClinGen allele CA466435251.

ClinVar aggregate classification (germline): Likely benign. Review status: criteria provided, multiple submitters, no conflicts (2 of 4 stars). 2 submissions from 2 submitters: Likely benign (2). Last evaluated 2024-02-22.

Conditions:
Familial thoracic aortic aneurysm and aortic dissection (TAAD). Also called: Thoracic aortic aneurysms and dissections. Identifiers: Orphanet 91387, MedGen C4707243, MONDO:0019625.
Loeys-Dietz syndrome (LDS). Identifiers: Orphanet 60030, MedGen C2697932, MONDO:0018954.

Allele frequency attached by ClinVar (database versions not stated): gnomAD exomes below 0.00001.
gnomAD v4.1: 1 of 1,613,954 alleles (0.000062%); highest among the groups gnomAD compares: Non-Finnish European, 0.000085%; no homozygotes.

Submissions (2):

All of Us Research Program, National Institutes of Health
Classification: Likely benign for Loeys-Dietz syndrome. Last evaluated: 2024-02-22. Review status: criteria provided, single submitter. Criteria: ACMG Guidelines, 2015. Collection method: clinical testing. Allele origin: germline. Inheritance: Autosomal dominant inheritance. Observed: 1 variant allele, 1 heterozygote.
Comment: This study involves interpretation of variants in research participants for the purpose of population health screening. Participant phenotype was not available at the time of variant classification. Additional details can be found in publication PMID: 35346344, PMCID: PMC8962531

Labcorp Genetics (formerly Invitae), Labcorp
Classification: Likely benign for Familial thoracic aortic aneurysm and aortic dissection. Last evaluated: 2023-05-22. Review status: criteria provided, single submitter. Criteria: Invitae Variant Classification Sherloc (09022015). Collection method: clinical testing. Allele origin: germline.